The following is an entry in ClinVar:

NM_001379451.1(BCORL1):c.4219C>A (p.Pro1407Thr)

Gene: BCORL1 (BCL6 corepressor like 1; plus strand). Cytogenetic location: Xq26.1.
Variant type: single nucleotide variant.
Coding change: c.4219C>A on transcript NM_001379451.1 (MANE Select); coding-DNA position 4219, C replaced by A.
Protein change: p.Pro1407Thr; replaces proline 1407 with threonine.
Molecular consequence: missense variant.
Genome position (GRCh38, 1-based): chrX:130,028,775, C>A. VCF-style: chrX-130028775-C-A. GRCh37 (hg19) VCF-style: chrX-129162750-C-A.
Other names: c.4219C>A, p.Pro1407Thr (NM_001184772.3, NM_001379450.1, NM_021946.5); short protein forms P1407T.
Identifiers: ClinVar variation 3366367 (VCV003366367.1).
Genomic context (GRCh38, chrX:130,028,775, plus strand): 5'-AACAAAGTCCAGGGGATCTCGGATTCACCAAACGGTTTCCTCCCAAATAACCTGGAAGAG[C>A]CAGCCTGCCTTGAAAATTCAGAAAAGCCATCAGGAAAACGAAAGTGCAAGACCAAGCACA-3'
Protein context (NP_001366380.1, residues 1397-1417): NGFLPNNLEE[Pro1407Thr]ACLENSEKPS

ClinVar aggregate classification (germline): Uncertain significance (1 of 4 stars; one submission).

Submission:

Women's Health and Genetics/Laboratory Corporation of America, LabCorp
Classification: Uncertain significance. Last evaluated: 2024-08-09. Review status: criteria provided, single submitter. Criteria: LabCorp Variant Classification Summary - May 2015. Collection method: clinical testing. Allele origin: germline.
Comment: Variant summary: BCORL1 c.4219C>A (p.Pro1407Thr) results in a non-conservative amino acid change in the encoded protein sequence. Three of five in-silico tools predict a benign effect of the variant on protein function. The variant was absent in 183502 control chromosomes. The available data on variant occurrences in the general population are insufficient to allow any conclusion about variant significance. To our knowledge, no occurrence of c.4219C>A in individuals affected with Shukla-Vernon Syndrome and no experimental evidence demonstrating its impact on protein function have been reported. No submitters have cited clinical-significance assessments for this variant to ClinVar. Based on the evidence outlined above, the variant was classified as uncertain significance.